The following is an entry in ClinVar:

ClinVar aggregate classification (germline): Uncertain significance. Review status: criteria provided, multiple submitters, no conflicts (2 of 4 stars). 4 submissions from 4 submitters: Uncertain significance (4). Last evaluated 2025-07-16.

Conditions:
Aortic aneurysm, familial thoracic 10 (AAT10). Identifiers: MedGen C4284414, MONDO:0014950, OMIM 617168.
Cardiovascular phenotype. Identifiers: MedGen CN230736.

Allele frequency attached by ClinVar (database versions not stated): gnomAD 0.00001; gnomAD exomes 0.00001; TOPMed 0.00002.
gnomAD v4.1: 50 of 1,548,718 alleles (0.0032%); highest among the groups gnomAD compares: Non-Finnish European, 0.0043%; no homozygotes.

Submissions (4):

Labcorp Genetics (formerly Invitae), Labcorp
Classification: Uncertain significance. Last evaluated: 2025-07-16. Review status: criteria provided, single submitter. Criteria: Invitae Variant Classification Sherloc (09022015). Collection method: clinical testing. Allele origin: germline.
Comment: This sequence change replaces arginine, which is basic and polar, with proline, which is neutral and non-polar, at codon 68 of the LOX protein (p.Arg68Pro). This variant is present in population databases (no rsID available, gnomAD 0.004%). This variant has not been reported in the literature in individuals affected with LOX-related conditions. ClinVar contains an entry for this variant (Variation ID: 1330430). Invitae Evidence Modeling of protein sequence and biophysical properties (such as structural, functional, and spatial information, amino acid conservation, physicochemical variation, residue mobility, and thermodynamic stability) has been performed for this missense variant. However, the output from this modeling did not meet the statistical confidence thresholds required to predict the impact of this variant on LOX protein function. In summary, the available evidence is currently insufficient to determine the role of this variant in disease. Therefore, it has been classified as a Variant of Uncertain Significance.

Ambry Genetics
Classification: Uncertain significance for Cardiovascular phenotype. Last evaluated: 2022-08-27. Review status: criteria provided, single submitter. Criteria: Ambry Variant Classification Scheme 2023. Collection method: clinical testing. Allele origin: germline.
Comment: The p.R68P variant (also known as c.203G>C), located in coding exon 1 of the LOX gene, results from a G to C substitution at nucleotide position 203. The arginine at codon 68 is replaced by proline, an amino acid with dissimilar properties. This amino acid position is conserved. In addition, this alteration is predicted to be tolerated by in silico analysis. Since supporting evidence is limited at this time, the clinical significance of this alteration remains unclear.

Blueprint Genetics
Classification: Uncertain significance. Last evaluated: 2022-07-28. Review status: criteria provided, single submitter. Criteria: ACMG Guidelines, 2015. Collection method: clinical testing. Allele origin: germline.

ARUP Laboratories, Molecular Genetics and Genomics, ARUP Laboratories
Classification: Uncertain significance for Aortic aneurysm, familial thoracic 10. Last evaluated: 2021-01-12. Review status: criteria provided, single submitter. Criteria: ARUP Molecular Germline Variant Investigation Process 2021. Collection method: clinical testing. Allele origin: germline.
Comment: The LOX c.203G>C; p.Arg68Pro variant (rs994242735), to our knowledge, is not reported in the medical literature or gene-specific databases. This variant is found on only two chromosomes (2/144526 alleles) in the Genome Aggregation Database. The arginine at codon 68 is moderately conserved, and computational analyses predict that this variant is neutral (REVEL: 0.111). However, due to limited information, the clinical significance of the p.Arg68Pro variant is uncertain at this time.

NM_002317.7(LOX):c.203G>C (p.Arg68Pro)

Genes: LOX (lysyl oxidase; minus strand), SRFBP1 (serum response factor binding protein 1; plus strand). Cytogenetic location: 5q23.1.
Variant type: single nucleotide variant.
Coding change: c.203G>C on transcript NM_002317.7 (MANE Select); coding-DNA position 203, G replaced by C.
Protein change: p.Arg68Pro; replaces arginine 68 with proline.
Molecular consequence: missense variant.
Genome position (GRCh38, 1-based): chr5:122,077,783, C>G on the plus strand (G>C on the coding strand, the complement: LOX is on the minus strand). VCF-style: chr5-122077783-C-G. GRCh37 (hg19) VCF-style: chr5-121413478-C-G.
Other names: short protein forms R68P.
Identifiers: ClinVar variation 1330430 (VCV001330430.12), dbSNP rs994242735, ClinGen allele CA125917517.
Genomic context (GRCh38, chr5:122,077,783, plus strand): 5'-CGGGGCTGCTGGGCGGAGGCGTTGGCTGCACCAGGGACGGCGGCGCCCGGGTCCCGGCGG[C>G]GCTGAGGCTGGTACTGTGAGCCCAGGCTCAGCAAGCTGAACACCTGCCCGTTGTTCTCCC-3'
Protein context (NP_002308.2, residues 58-78): LSLGSQYQPQ[Arg68Pro]RRDPGAAVPG